The following is an entry in ClinVar:

NM_000530.8(MPZ):c.178G>A (p.Asp60Asn)

Gene: MPZ (myelin protein zero; minus strand). Cytogenetic location: 1q23.3.
Variant type: single nucleotide variant.
Coding change: c.178G>A on transcript NM_000530.8 (MANE Select); coding-DNA position 178, G replaced by A.
Protein change: p.Asp60Asn; replaces aspartic acid 60 with asparagine.
Molecular consequence: missense variant.
Genome position (GRCh38, 1-based): chr1:161,307,314, C>T on the plus strand (G>A on the coding strand, the complement: MPZ is on the minus strand). VCF-style: chr1-161307314-C-T. GRCh37 (hg19) VCF-style: chr1-161277104-C-T.
Other names: c.178G>A, p.Asp60Asn (NM_001315491.2); short protein forms D60N.
Identifiers: ClinVar variation 2135981 (VCV002135981.6), dbSNP rs121913604, ClinGen allele CA343350834.
Genomic context (GRCh38, chr1:161,307,314, plus strand): 5'-TCACCGAAATGGCATCTCTGCCCCCTTCGGGCTGGTAGCGCCAGGTGAAGGAGATGTCAT[C>T]TGAGACCCACTCACTGGACCAGAAGGAGCAGTGCAGGGTCACCCGGGAGCCCACAGCACC-3'
Protein context (NP_000521.2, residues 50-70): CSFWSSEWVS[Asp60Asn]DISFTWRYQP

ClinVar aggregate classification (germline): Uncertain significance. Review status: criteria provided, multiple submitters, no conflicts (2 of 4 stars). 3 submissions from 3 submitters: Uncertain significance (2). 1 of the submissions does not count toward it. Last evaluated 2022-07-01.

Conditions:
Charcot-Marie-Tooth disease, type I (CMT1). Also called: Charcot-Marie-Tooth, Type 1; Charcot-Marie-Tooth disease type 1. Identifiers: Orphanet 65753, MedGen C0751036, MONDO:0019011.
Peripheral neuropathy. Also called: Neuropathy. Identifiers: MedGen C0031117, MONDO:0005244, HP:0009830.

Submissions (3):

Labcorp Genetics (formerly Invitae), Labcorp
Classification: Uncertain significance for Charcot-Marie-Tooth disease, type I. Last evaluated: 2022-07-01. Review status: criteria provided, single submitter. Criteria: Invitae Variant Classification Sherloc (09022015). Collection method: clinical testing. Allele origin: germline.
Comment: This variant is not present in population databases (gnomAD no frequency). In summary, the available evidence is currently insufficient to determine the role of this variant in disease. Therefore, it has been classified as a Variant of Uncertain Significance. Algorithms developed to predict the effect of missense changes on protein structure and function are either unavailable or do not agree on the potential impact of this missense change (SIFT: "Tolerated"; PolyPhen-2: "Possibly Damaging"; Align-GVGD: "Class C0"). This variant has not been reported in the literature in individuals affected with MPZ-related conditions. This sequence change replaces aspartic acid, which is acidic and polar, with asparagine, which is neutral and polar, at codon 60 of the MPZ protein (p.Asp60Asn).

Institute for Medical Genetics and Human Genetics, Charité - Universitätsmedizin Berlin
Classification: Uncertain significance. Review status: criteria provided, single submitter. Criteria: ACMG Guidelines, 2015. Collection method: not provided. Allele origin: germline. Affected: yes.

Institute of Human Genetics, University of Wuerzburg
Classification: Likely pathogenic for Peripheral neuropathy. Review status: no assertion criteria provided. Collection method: clinical testing. Allele origin: unknown. Affected: yes. Observed: 1 variant allele. Not counted in ClinVar's aggregate classification.